The following is an entry in ClinVar:

NM_000165.5(GJA1):c.868A>G (p.Thr290Ala)

Gene: GJA1 (gap junction protein alpha 1; plus strand). Cytogenetic location: 6q22.31.
Variant type: single nucleotide variant.
Coding change: c.868A>G on transcript NM_000165.5 (MANE Select); coding-DNA position 868, A replaced by G.
Protein change: p.Thr290Ala; replaces threonine 290 with alanine.
Molecular consequence: missense variant.
Genome position (GRCh38, 1-based): chr6:121,447,715, A>G. VCF-style: chr6-121447715-A-G. GRCh37 (hg19) VCF-style: chr6-121768861-A-G.
Other names: short protein forms T290A.
Identifiers: ClinVar variation 1320653 (VCV001320653.5), dbSNP rs562513101, ClinGen allele CA3981773.

ClinVar aggregate classification (germline): Uncertain significance. Review status: criteria provided, multiple submitters, no conflicts (2 of 4 stars). 2 submissions from 2 submitters: Uncertain significance (2). Last evaluated 2025-12-26.

Conditions:
Oculodentodigital dysplasia, autosomal recessive. Also called: OCULODENTOOSSEOUS DYSPLASIA, AUTOSOMAL RECESSIVE; ODDD, AUTOSOMAL RECESSIVE; ODOD, AUTOSOMAL RECESSIVE. Identifiers: Orphanet 2710, MedGen C2749477, MONDO:0009768, OMIM 257850.

Allele frequency attached by ClinVar (database versions not stated): ExAC 0.00002; gnomAD exomes 0.00002; gnomAD 0.00004; TOPMed 0.00003.
gnomAD v4.1: 30 of 1,613,948 alleles (0.0019%); highest among the groups gnomAD compares: Non-Finnish European, 0.0025%; no homozygotes.

Submissions (2):

Labcorp Genetics (formerly Invitae), Labcorp
Classification: Uncertain significance for Oculodentodigital dysplasia, autosomal recessive. Last evaluated: 2025-12-26. Review status: criteria provided, single submitter. Criteria: Invitae Variant Classification Sherloc (09022015). Collection method: clinical testing. Allele origin: germline.
Comment: This sequence change replaces threonine, which is neutral and polar, with alanine, which is neutral and non-polar, at codon 290 of the GJA1 protein (p.Thr290Ala). This variant is present in population databases (rs562513101, gnomAD 0.005%). This variant has not been reported in the literature in individuals affected with GJA1-related conditions. ClinVar contains an entry for this variant (Variation ID: 1320653). Invitae Evidence Modeling of protein sequence and biophysical properties (such as structural, functional, and spatial information, amino acid conservation, physicochemical variation, residue mobility, and thermodynamic stability) has been performed for this missense variant. However, the output from this modeling did not meet the statistical confidence thresholds required to predict the impact of this variant on GJA1 protein function. In summary, the available evidence is currently insufficient to determine the role of this variant in disease. Therefore, it has been classified as a Variant of Uncertain Significance.

GeneDx
Classification: Uncertain significance. Last evaluated: 2021-05-04. Review status: criteria provided, single submitter. Criteria: GeneDx Variant Classification Process June 2021. Collection method: clinical testing. Allele origin: germline. Affected: yes.
Comment: In silico analysis supports that this missense variant does not alter protein structure/function; Has not been previously published as pathogenic or benign to our knowledge